The following is an entry in ClinVar:

ClinVar aggregate classification (germline): Likely benign. Review status: criteria provided, multiple submitters, no conflicts (2 of 4 stars). 4 submissions from 4 submitters: Likely benign (4). Last evaluated 2025-01-01.

Conditions:
Inborn genetic diseases. Identifiers: MedGen C0950123, MeSH D030342.

Allele frequency attached by ClinVar (database versions not stated): ExAC 0.00004; gnomAD 0.00006; TOPMed 0.00006; ESP Exome Variant Server 0.00008.
gnomAD v4.1: 76 of 1,614,024 alleles (0.0047%); highest among the groups gnomAD compares: African/African-American, 0.008%; no homozygotes.

Submissions (4):

CeGaT Center for Human Genetics Tuebingen
Classification: Likely benign. Last evaluated: 2025-01-01. Review status: criteria provided, single submitter. Criteria: CeGaT Center For Human Genetics Tuebingen Variant Classification Criteria Version 2. Collection method: clinical testing. Allele origin: germline. Affected: yes. Observed: 1 variant allele.
Comment: CHD8: BP4, BP7

GeneDx
Classification: Likely benign. Last evaluated: 2018-12-07. Review status: criteria provided, single submitter. Criteria: GeneDx Variant Classification Process June 2021. Collection method: clinical testing. Allele origin: germline. Affected: yes.

Labcorp Genetics (formerly Invitae), Labcorp
Classification: Likely benign. Last evaluated: 2018-04-06. Review status: criteria provided, single submitter. Criteria: Invitae Variant Classification Sherloc (09022015). Collection method: clinical testing. Allele origin: germline.

Ambry Genetics
Classification: Likely benign for Inborn genetic diseases. Last evaluated: 2017-12-15. Review status: criteria provided, single submitter. Criteria: Ambry Variant Classification Scheme 2023. Collection method: clinical testing. Allele origin: germline.

NM_001170629.2(CHD8):c.5265G>A (p.Ala1755=)

Gene: CHD8 (chromodomain helicase DNA binding protein 8; minus strand). Cytogenetic location: 14q11.2.
Variant type: single nucleotide variant.
Coding change: c.5265G>A on transcript NM_001170629.2 (MANE Select); coding-DNA position 5265, G replaced by A.
Protein change: p.Ala1755=; no amino-acid change (alanine 1755 retained).
Molecular consequence: synonymous variant.
Genome position (GRCh38, 1-based): chr14:21,395,037, C>T on the plus strand (G>A on the coding strand, the complement: CHD8 is on the minus strand). VCF-style: chr14-21395037-C-T. GRCh37 (hg19) VCF-style: chr14-21863196-C-T.
Other names: c.4428G>A, p.Ala1476= (NM_020920.4).
Identifiers: ClinVar variation 739387 (VCV000739387.20), dbSNP rs374201033, ClinGen allele CA7090997.